The following is an entry in ClinVar:

ClinVar aggregate classification (germline): Likely pathogenic (3 of 4 stars; one submission).

Conditions:
Glanzmann thrombasthenia. Also called: PLATELET GLYCOPROTEIN IIb-IIIa DEFICIENCY; Glanzmann's thrombasthenia; BLEEDING DISORDER, PLATELET-TYPE, 2; THROMBASTHENIA OF GLANZMANN AND NAEGELI; Thrombasthenia. Identifiers: Orphanet 849, MedGen C0040015, MONDO:0100326.

Submission:

ClinGen Platelet Disorders Variant Curation Expert Panel, ClinGen
Classification: Likely pathogenic for Glanzmann thrombasthenia. Last evaluated: 2024-12-17. Review status: reviewed by expert panel. Criteria: ClinGen Platelet ACMG Specifications v2-1. Collection method: curation. Allele origin: germline. Inheritance: Autosomal recessive inheritance.
Comment: The NM_000419.5(ITGA2B):c.2095-19T>A intronic variant is predicted to cause loss of the intron 20 canonical acceptor site by computational splicing predictor SpliceAI with a score of 0.98 for acceptor loss, it further predicts an acceptor site gain at c.2095-17, with a score of 1.00 (PP3). At least one patient (GT15 in PMID: 25728920) with this variant displayed mucocutaneous bleeding and impaired aggregation with all agonists except ristocetin, which is highly specific for Glanzmann thrombasthenia. Additionally, αIIb surface expression was absent, as measured by flow cytometry (PP4_strong). GT15 (PMID: 25728920) is compound heterozygous for Gln924Ter (classified Pathogenic by the PD-EP) and c.2095-19T>A (PM3_supporting). This variant is absent from gnomAD v4.1 (PM2_Supporting). In summary this variant meets criteria to be classified as Likely Pathogenic for autosomal recessive Glanzmann Thrombasthenia based on the ACMG/AMP criteria applied, as specified by the ClinGen PD VCEP: PP4_strong, PM2_supporting, PM3_supporting, PP3. (VCEP specifications version 2.1)

NM_000419.5(ITGA2B):c.2095-19T>A

Gene: ITGA2B (integrin subunit alpha 2b; minus strand). Cytogenetic location: 17q21.31.
Variant type: single nucleotide variant.
Coding change: c.2095-19T>A on transcript NM_000419.5 (MANE Select); 19 bases into the intron before coding-DNA position 2095, T replaced by A.
Molecular consequence: intron variant.
Genome position (GRCh38, 1-based): chr17:44,377,809, A>T on the plus strand (T>A on the coding strand, the complement: ITGA2B is on the minus strand). VCF-style: chr17-44377809-A-T. GRCh37 (hg19) VCF-style: chr17-42455177-A-T.
Other names: NM_000419.5:c.2095-19T>A.
Identifiers: ClinVar variation 1691455 (VCV001691455.3), dbSNP rs2143447856, ClinGen allele CA915940312.